The following is an entry in ClinVar:

NM_138576.4(BCL11B):c.44G>C (p.Arg15Thr)

Gene: BCL11B (BCL11 transcription factor B; minus strand). Cytogenetic location: 14q32.2.
Variant type: single nucleotide variant.
Coding change: c.44G>C on transcript NM_138576.4 (MANE Select); coding-DNA position 44, G replaced by C.
Protein change: p.Arg15Thr; replaces arginine 15 with threonine.
Molecular consequence: missense variant.
Genome position (GRCh38, 1-based): chr14:99,271,175, C>G on the plus strand (G>C on the coding strand, the complement: BCL11B is on the minus strand). VCF-style: chr14-99271175-C-G. GRCh37 (hg19) VCF-style: chr14-99737512-C-G.
Other names: c.44G>C, p.Arg15Thr (NM_001282237.2, NM_001282238.2, NM_022898.3); short protein forms R15T.
Identifiers: ClinVar variation 3823729 (VCV003823729.1).

ClinVar aggregate classification (germline): Uncertain significance (1 of 4 stars; one submission).

Conditions:
Inborn genetic diseases. Identifiers: MedGen C0950123, MeSH D030342.

Submission:

Ambry Genetics
Classification: Uncertain significance for Inborn genetic diseases. Last evaluated: 2025-01-09. Review status: criteria provided, single submitter. Criteria: Ambry Variant Classification Scheme 2023. Collection method: clinical testing. Allele origin: germline.
Comment: The c.44G>C (p.R15T) alteration is located in exon 1 (coding exon 1) of the BCL11B gene. This alteration results from a G to C substitution at nucleotide position 44, causing the arginine (R) at amino acid position 15 to be replaced by a threonine (T). This alteration is predicted to be tolerated by in silico analysis. Based on insufficient or conflicting evidence, the clinical significance of this alteration remains unclear.